The following is an entry in ClinVar:

ClinVar aggregate classification (germline): Uncertain significance (1 of 4 stars; one submission).

gnomAD v4.1: 22 of 1,611,676 alleles (0.0014%); highest among the groups gnomAD compares: South Asian, 0.0066%; no homozygotes.

Submission:

Labcorp Genetics (formerly Invitae), Labcorp
Classification: Uncertain significance. Last evaluated: 2024-05-21. Review status: criteria provided, single submitter. Criteria: Invitae Variant Classification Sherloc (09022015). Collection method: clinical testing. Allele origin: germline.
Comment: This sequence change replaces proline, which is neutral and non-polar, with serine, which is neutral and polar, at codon 854 of the LONP1 protein (p.Pro854Ser). This variant is present in population databases (rs748293411, gnomAD 0.009%). This variant has not been reported in the literature in individuals affected with LONP1-related conditions. Advanced modeling of protein sequence and biophysical properties (such as structural, functional, and spatial information, amino acid conservation, physicochemical variation, residue mobility, and thermodynamic stability) has been performed at Invitae for this missense variant, however the output from this modeling did not meet the statistical confidence thresholds required to predict the impact of this variant on LONP1 protein function. In summary, the available evidence is currently insufficient to determine the role of this variant in disease. Therefore, it has been classified as a Variant of Uncertain Significance.

NM_004793.4(LONP1):c.2560C>T (p.Pro854Ser)

Gene: LONP1 (lon peptidase 1, mitochondrial; minus strand). Cytogenetic location: 19p13.3.
Variant type: single nucleotide variant.
Coding change: c.2560C>T on transcript NM_004793.4 (MANE Select); coding-DNA position 2560, C replaced by T.
Protein change: p.Pro854Ser; replaces proline 854 with serine.
Molecular consequence: missense variant. On other transcripts: non-coding transcript variant (1).
Genome position (GRCh38, 1-based): chr19:5,693,441, G>A on the plus strand (C>T on the coding strand, the complement: LONP1 is on the minus strand). VCF-style: chr19-5693441-G-A. GRCh37 (hg19) VCF-style: chr19-5693452-G-A.
Other names: c.2368C>T, p.Pro790Ser (NM_001276479.2); c.1972C>T, p.Pro658Ser (NM_001276480.1); short protein forms P658S, P790S, P854S.
Identifiers: ClinVar variation 3614647 (VCV003614647.2).
Genomic context (GRCh38, chr19:5,693,441, plus strand): 5'-GGACAGGCCTGCCCATGGCCAGGGACAGCAGGGCCGTGACGATGGTGCAGCCTGCGCTTG[G>A]GCCGTCCTTGGGGGTGGCGCCCTGTGGAGGCATGTGGGGATAGTGGGTGAGCAGGTGGCC-3'
Protein context (NP_004784.2, residues 844-864): VPEGATPKDG[Pro854Ser]SAGCTIVTAL